The following is an entry in ClinVar:

NC_000004.12:g.8846143C>T

Gene: HMX1 (H6 family homeobox 1; minus strand). Cytogenetic location: 4p16.1.
Variant type: single nucleotide variant.
Molecular consequence: 3 prime UTR variant (on NM_001306142.2).
Genome position: GRCh38 VCF-style: chr4-8846143-C-T. GRCh37 (hg19) VCF-style: chr4-8847869-C-T.
Other names: c.*3G>A (NM_001306142.2).
Identifiers: ClinVar variation 3042383 (VCV003042383.2), dbSNP rs539199460, ClinGen allele CA92346356.

ClinVar aggregate classification (germline): Likely benign (0 of 4 stars; one submission).

Conditions:
HMX1-related disorder. Also called: HMX1-related condition.

Allele frequency attached by ClinVar (database versions not stated): TOPMed 0.00038; 1000 Genomes Project 30x 0.00062; gnomAD exomes 0.00023; gnomAD 0.00030; 1000 Genomes Project 0.00060.

Submission:

PreventionGenetics, part of Exact Sciences
Classification: Likely benign for HMX1-related condition. Last evaluated: 2019-06-27. Review status: no assertion criteria provided. Collection method: clinical testing. Allele origin: germline.
Comment: This variant is classified as likely benign based on ACMG/AMP sequence variant interpretation guidelines (Richards et al. 2015 PMID: 25741868, with internal and published modifications).